The following is an entry in ClinVar:

NM_002645.4(PIK3C2A):c.5045C>T (p.Ala1682Val)

Gene: PIK3C2A (phosphatidylinositol-4-phosphate 3-kinase catalytic subunit type 2 alpha; minus strand). Cytogenetic location: 11p15.1.
Variant type: single nucleotide variant.
Coding change: c.5045C>T on transcript NM_002645.4 (MANE Select); coding-DNA position 5045, C replaced by T.
Protein change: p.Ala1682Val; replaces alanine 1682 with valine.
Molecular consequence: missense variant.
Genome position (GRCh38, 1-based): chr11:17,089,754, G>A on the plus strand (C>T on the coding strand, the complement: PIK3C2A is on the minus strand). VCF-style: chr11-17089754-G-A. GRCh37 (hg19) VCF-style: chr11-17111301-G-A.
Other names: c.5045C>T, p.Ala1682Val (NM_001321378.2); c.3905C>T, p.Ala1302Val (NM_001321380.2); c.4877C>T, p.Ala1626Val (NM_001386870.1); short protein forms A1626V, A1302V, A1682V.
Identifiers: ClinVar variation 2081517 (VCV002081517.3), dbSNP rs201133316, ClinGen allele CA5900392.

ClinVar aggregate classification (germline): Uncertain significance. Review status: criteria provided, multiple submitters, no conflicts (2 of 4 stars). 2 submissions from 2 submitters: Uncertain significance (2). Last evaluated 2024-10-24.

Allele frequency attached by ClinVar (database versions not stated): gnomAD 0.00007; TOPMed 0.00011; ExAC 0.00003; gnomAD exomes 0.00005.
gnomAD v4.1: 75 of 1,611,550 alleles (0.0047%); highest among the groups gnomAD compares: Middle Eastern, 0.033%; no homozygotes.

Submissions (2):

Labcorp Genetics (formerly Invitae), Labcorp
Classification: Uncertain significance. Last evaluated: 2024-10-24. Review status: criteria provided, single submitter. Criteria: Invitae Variant Classification Sherloc (09022015). Collection method: clinical testing. Allele origin: germline.
Comment: This sequence change replaces alanine, which is neutral and non-polar, with valine, which is neutral and non-polar, at codon 1682 of the PIK3C2A protein (p.Ala1682Val). This variant is present in population databases (rs201133316, gnomAD 0.02%). This variant has not been reported in the literature in individuals affected with PIK3C2A-related conditions. ClinVar contains an entry for this variant (Variation ID: 2081517). Experimental studies and prediction algorithms are not available or were not evaluated, and the functional significance of this variant is currently unknown. In summary, the available evidence is currently insufficient to determine the role of this variant in disease. Therefore, it has been classified as a Variant of Uncertain Significance.

Ambry Genetics
Classification: Uncertain significance. Last evaluated: 2021-07-06. Review status: criteria provided, single submitter. Criteria: Ambry Variant Classification Scheme 2023. Collection method: clinical testing. Allele origin: germline.